The following is an entry in ClinVar:

ClinVar aggregate classification (germline): Benign. Review status: criteria provided, multiple submitters, no conflicts (2 of 4 stars). 8 submissions from 8 submitters: Benign (7). 1 of the submissions does not count toward it. Last evaluated 2026-02-04.

Conditions:
Congenital microcephaly - severe encephalopathy - progressive cerebral atrophy syndrome. Also called: ASNS DEFICIENCY; Asparagine synthetase deficiency. Identifiers: Orphanet 391376, MedGen C3809971, MONDO:0014258, OMIM 615574.

Allele frequency attached by ClinVar (database versions not stated): gnomAD exomes 0.75197 and 0.79287; ExAC 0.79478; ESP Exome Variant Server 0.80078; gnomAD 0.81682 and 0.81709; TOPMed 0.82451; 1000 Genomes Project 0.87600; 1000 Genomes Project 30x 0.87789.
gnomAD v4.1: 1,224,454 of 1,613,784 alleles (76%); highest among the groups gnomAD compares: African/African-American, 95%; 467,908 homozygotes.

Submissions (8):

Labcorp Genetics (formerly Invitae), Labcorp
Classification: Benign. Last evaluated: 2026-02-04. Review status: criteria provided, single submitter. Criteria: Invitae Variant Classification Sherloc (09022015). Collection method: clinical testing. Allele origin: germline.

Unidad de Genómica Garrahan, Hospital de Pediatría Garrahan
Classification: Benign. Last evaluated: 2024-07-15. Review status: criteria provided, single submitter. Criteria: ACMG Guidelines, 2015. Collection method: clinical testing. Allele origin: germline. Affected: no. Observed: 91 variant alleles.
Comment: This variant is classified as Benign based on local population frequency. This variant was detected in 98% of patients studied in a panel designed for Epileptic and Developmental Encephalopathy and Progressive Myoclonus Epilepsy. Number of patients: 91. Only high quality variants are reported.

Mayo Clinic Laboratories, Mayo Clinic
Classification: Benign. Last evaluated: 2022-03-24. Review status: criteria provided, single submitter. Criteria: ACMG Guidelines, 2015. Collection method: clinical testing. Allele origin: germline. Observed: 527 variant alleles.

Genome-Nilou Lab
Classification: Benign for Congenital microcephaly - severe encephalopathy - progressive cerebral atrophy syndrome. Last evaluated: 2021-07-10. Review status: criteria provided, single submitter. Criteria: ACMG Guidelines, 2015. Collection method: clinical testing. Allele origin: germline. Affected: no.

Mendelics
Classification: Benign for Congenital microcephaly - severe encephalopathy - progressive cerebral atrophy syndrome. Last evaluated: 2019-05-28. Review status: criteria provided, single submitter. Criteria: Mendelics Assertion Criteria 2017. Collection method: clinical testing. Allele origin: unknown.

GeneDx
Classification: Benign. Last evaluated: 2018-06-15. Review status: criteria provided, single submitter. Criteria: GeneDx Variant Classification (06012015). Collection method: clinical testing. Allele origin: germline. Affected: yes.
Comment: This variant is considered likely benign or benign based on one or more of the following criteria: it is a conservative change, it occurs at a poorly conserved position in the protein, it is predicted to be benign by multiple in silico algorithms, and/or has population frequency not consistent with disease.

Breakthrough Genomics
Classification: Benign. Review status: criteria provided, single submitter. Criteria: ACMG Guidelines, 2015. Collection method: not provided. Allele origin: germline. Inheritance: Autosomal recessive inheritance. Affected: yes.

Natera, Inc.
Classification: Benign for Asparagine synthetase deficiency. Last evaluated: 2019-08-26. Review status: no assertion criteria provided. Collection method: clinical testing. Allele origin: germline. Not counted in ClinVar's aggregate classification.

NM_001673.5(ASNS):c.629T>A (p.Val210Glu)

Genes: ASNS (asparagine synthetase (glutamine-hydrolyzing); minus strand), CZ1P-ASNS (CZ1P-ASNS readthrough; minus strand). Cytogenetic location: 7q21.3.
Variant type: single nucleotide variant.
Coding change: c.629T>A on transcript NM_001673.5 (MANE Select); coding-DNA position 629, T replaced by A.
Protein change: p.Val210Glu; replaces valine 210 with glutamic acid.
Molecular consequence: missense variant. On other transcripts: non-coding transcript variant (1).
Genome position (GRCh38, 1-based): chr7:97,859,257, A>T on the plus strand (T>A on the coding strand, the complement: ASNS is on the minus strand). VCF-style: chr7-97859257-A-T. GRCh37 (hg19) VCF-style: chr7-97488569-A-T.
Other names: p.Val210Glu; c.629T>A, p.Val210Glu (NM_133436.3, NM_001352496.2, NM_183356.4); c.566T>A, p.Val189Glu (NM_001178075.2); c.380T>A, p.Val127Glu (NM_001178076.2, NM_001178077.1); short protein forms V127E, V210E, V189E.
Identifiers: ClinVar variation 667997 (VCV000667997.18), dbSNP rs1049674, ClinGen allele CA4354733.